The following is an entry in ClinVar:

ClinVar aggregate classification (germline): Uncertain significance (1 of 4 stars; one submission).

Conditions:
Mendelian susceptibility to mycobacterial diseases due to complete IL12RB1 deficiency. Also called: IL12RB1 DEFICIENCY; Immunodeficiency 30. Identifiers: Orphanet 319552, MedGen C4013949, MONDO:0013955, OMIM 614891.

Allele frequency attached by ClinVar (database versions not stated): gnomAD 0.00003 and 0.00004; gnomAD exomes 0.00003; ExAC 0.00005; TOPMed 0.00001.
gnomAD v4.1: 44 of 1,613,412 alleles (0.0027%); highest among the groups gnomAD compares: Middle Eastern, 0.017%; no homozygotes.

Submission:

Labcorp Genetics (formerly Invitae), Labcorp
Classification: Uncertain significance for Mendelian susceptibility to mycobacterial diseases due to complete IL12RB1 deficiency. Last evaluated: 2022-07-25. Review status: criteria provided, single submitter. Criteria: Invitae Variant Classification Sherloc (09022015). Collection method: clinical testing. Allele origin: germline.
Comment: This sequence change replaces glycine, which is neutral and non-polar, with serine, which is neutral and polar, at codon 92 of the IL12RB1 protein (p.Gly92Ser). This variant is present in population databases (rs776835424, gnomAD 0.01%). This variant has not been reported in the literature in individuals affected with IL12RB1-related conditions. ClinVar contains an entry for this variant (Variation ID: 972374). Algorithms developed to predict the effect of missense changes on protein structure and function (SIFT, PolyPhen-2, Align-GVGD) all suggest that this variant is likely to be disruptive. Algorithms developed to predict the effect of sequence changes on RNA splicing suggest that this variant may create or strengthen a splice site. In summary, the available evidence is currently insufficient to determine the role of this variant in disease. Therefore, it has been classified as a Variant of Uncertain Significance.

NM_005535.3(IL12RB1):c.274G>A (p.Gly92Ser)

Gene: IL12RB1 (interleukin 12 receptor subunit beta 1; minus strand). Cytogenetic location: 19p13.11.
Variant type: single nucleotide variant.
Coding change: c.274G>A on transcript NM_005535.3 (MANE Select); coding-DNA position 274, G replaced by A.
Protein change: p.Gly92Ser; replaces glycine 92 with serine.
Molecular consequence: missense variant.
Genome position (GRCh38, 1-based): chr19:18,080,967, C>T on the plus strand (G>A on the coding strand, the complement: IL12RB1 is on the minus strand). VCF-style: chr19-18080967-C-T. GRCh37 (hg19) VCF-style: chr19-18191777-C-T.
Other names: c.274G>A, p.Gly92Ser (NM_001290023.2, NM_153701.3); c.394G>A, p.Gly132Ser (NM_001290024.2); short protein forms G92S, G132S.
Identifiers: ClinVar variation 972374 (VCV000972374.5), dbSNP rs776835424, ClinGen allele CA9305265.